The following is an entry in ClinVar:

ClinVar aggregate classification (germline): Benign (1 of 4 stars; one submission).

Allele frequency attached by ClinVar (database versions not stated): gnomAD exomes 0.10922; 1000 Genomes Project 0.16054; ESP Exome Variant Server 0.16404; gnomAD 0.16471; TOPMed 0.16843; 1000 Genomes Project 30x 0.16927.
gnomAD v4.1: 184,069 of 1,606,850 alleles (11%); highest among the groups gnomAD compares: African/African-American, 29%; 12,494 homozygotes.

Submission:

Unidad de Genómica Garrahan, Hospital de Pediatría Garrahan
Classification: Benign. Last evaluated: 2023-11-12. Review status: criteria provided, single submitter. Criteria: ACMG Guidelines, 2015. Collection method: clinical testing. Allele origin: germline. Affected: no. Observed: 23 variant alleles.
Comment: This variant is classified as Benign based on local population frequency. This variant was detected in 24% of patients studied by a panel of primary immunodeficiencies. Number of patients: 23. Only high quality variants are reported.

NM_001013838.3(CARMIL2):c.612-63T>A

Gene: CARMIL2 (capping protein regulator and myosin 1 linker 2; plus strand). Cytogenetic location: 16q22.1.
Variant type: single nucleotide variant.
Coding change: c.612-63T>A on transcript NM_001013838.3 (MANE Select); 63 bases into the intron before coding-DNA position 612, T replaced by A.
Molecular consequence: intron variant.
Genome position (GRCh38, 1-based): chr16:67,647,053, T>A. VCF-style: chr16-67647053-T-A. GRCh37 (hg19) VCF-style: chr16-67680956-T-A.
Other names: c.612-63T>A (NM_001317026.3).
Identifiers: ClinVar variation 2628264 (VCV002628264.2), dbSNP rs60990105, ClinGen allele CA14223937.